The following is an entry in ClinVar:

NM_002734.5(PRKAR1A):c.554A>G (p.Tyr185Cys)

Gene: PRKAR1A (protein kinase cAMP-dependent type I regulatory subunit alpha; plus strand). Cytogenetic location: 17q24.2.
Variant type: single nucleotide variant.
Coding change: c.554A>G on transcript NM_002734.5 (MANE Select); coding-DNA position 554, A replaced by G.
Protein change: p.Tyr185Cys; replaces tyrosine 185 with cysteine.
Molecular consequence: missense variant.
Genome position (GRCh38, 1-based): chr17:68,525,758, A>G. VCF-style: chr17-68525758-A-G. GRCh37 (hg19) VCF-style: chr17-66521899-A-G.
Other names: c.554A>G, p.Tyr185Cys (NM_001276289.2, NM_001276290.1, NM_001278433.2 and 4 more transcripts); short protein forms Y185C.
Identifiers: ClinVar variation 947981 (VCV000947981.12), dbSNP rs369011860, ClinGen allele CA8729320.

ClinVar aggregate classification (germline): Uncertain significance. Review status: criteria provided, multiple submitters, no conflicts (2 of 4 stars). 2 submissions from 2 submitters: Uncertain significance (2). Last evaluated 2025-12-24.

Conditions:
Hereditary cancer-predisposing syndrome. Also called: Hereditary neoplastic syndrome; Neoplastic Syndromes, Hereditary; Tumor predisposition; Hereditary Cancer Syndrome. Identifiers: Orphanet 140162, MedGen C0027672, MeSH D009386, MONDO:0015356.
Carney complex, type 1 (CNC1). Also called: CARNEY COMPLEX, TYPE I; CARNEY MYXOMA-ENDOCRINE COMPLEX. Identifiers: Orphanet 1359, MedGen C2607929, MONDO:0008057, OMIM 160980.

Allele frequency attached by ClinVar (database versions not stated): TOPMed below 0.00001; ExAC 0.00001; gnomAD exomes 0.00001 and 0.00002; ESP Exome Variant Server 0.00008.
gnomAD v4.1: 27 of 1,613,968 alleles (0.0017%); highest among the groups gnomAD compares: Middle Eastern, 0.017%; no homozygotes.

Submissions (2):

Labcorp Genetics (formerly Invitae), Labcorp
Classification: Uncertain significance for Carney complex, type 1. Last evaluated: 2025-12-24. Review status: criteria provided, single submitter. Criteria: Invitae Variant Classification Sherloc (09022015). Collection method: clinical testing. Allele origin: germline.
Comment: This sequence change replaces tyrosine, which is neutral and polar, with cysteine, which is neutral and slightly polar, at codon 185 of the PRKAR1A protein (p.Tyr185Cys). This variant is present in population databases (rs369011860, gnomAD 0.003%). This variant has not been reported in the literature in individuals affected with PRKAR1A-related conditions. ClinVar contains an entry for this variant (Variation ID: 947981). Invitae Evidence Modeling of protein sequence and biophysical properties (such as structural, functional, and spatial information, amino acid conservation, physicochemical variation, residue mobility, and thermodynamic stability) indicates that this missense variant is expected to disrupt PRKAR1A protein function with a positive predictive value of 80%. In summary, the available evidence is currently insufficient to determine the role of this variant in disease. Therefore, it has been classified as a Variant of Uncertain Significance.

Ambry Genetics
Classification: Uncertain significance for Hereditary cancer-predisposing syndrome. Last evaluated: 2025-03-02. Review status: criteria provided, single submitter. Criteria: Ambry Variant Classification Scheme 2023. Collection method: clinical testing. Allele origin: germline.
Comment: The p.Y185C variant (also known as c.554A>G), located in coding exon 6 of the PRKAR1A gene, results from an A to G substitution at nucleotide position 554. The tyrosine at codon 185 is replaced by cysteine, an amino acid with highly dissimilar properties. This amino acid position is highly conserved in available vertebrate species. In addition, this alteration is predicted to be deleterious by in silico analysis. Based on the available evidence, the clinical significance of this alteration remains unclear.